The following is an entry in ClinVar:

ClinVar aggregate classification (germline): Uncertain significance (1 of 4 stars; one submission).

Allele frequency attached by ClinVar (database versions not stated): gnomAD exomes below 0.00001; gnomAD 0.00001; TOPMed 0.00001.
gnomAD v4.1: 4 of 1,584,222 alleles (0.00025%); highest among the groups gnomAD compares: Non-Finnish European, 0.00034%; no homozygotes.

Submission:

Labcorp Genetics (formerly Invitae), Labcorp
Classification: Uncertain significance. Last evaluated: 2022-01-17. Review status: criteria provided, single submitter. Criteria: Invitae Variant Classification Sherloc (09022015). Collection method: clinical testing. Allele origin: germline.
Comment: This sequence change replaces threonine, which is neutral and polar, with alanine, which is neutral and non-polar, at codon 115 of the ATP8A2 protein (p.Thr115Ala). This variant is not present in population databases (gnomAD no frequency). This variant has not been reported in the literature in individuals affected with ATP8A2-related conditions. Algorithms developed to predict the effect of missense changes on protein structure and function (SIFT, PolyPhen-2, Align-GVGD) all suggest that this variant is likely to be disruptive. Algorithms developed to predict the effect of sequence changes on RNA splicing suggest that this variant may create or strengthen a splice site. In summary, the available evidence is currently insufficient to determine the role of this variant in disease. Therefore, it has been classified as a Variant of Uncertain Significance.

NM_016529.6(ATP8A2):c.343A>G (p.Thr115Ala)

Gene: ATP8A2 (ATPase phospholipid transporting 8A2). Cytogenetic location: 13q12.13.
Variant type: single nucleotide variant.
Coding change: c.343A>G on transcript NM_016529.6 (MANE Select); coding-DNA position 343, A replaced by G.
Protein change: p.Thr115Ala; replaces threonine 115 with alanine.
Molecular consequence: missense variant.
Genome position (GRCh38, 1-based): chr13:25,530,583, A>G. VCF-style: chr13-25530583-A-G. GRCh37 (hg19) VCF-style: chr13-26104721-A-G.
Other names: c.223A>G, p.Thr75Ala (NM_001313741.1); c.343A>G, p.Thr115Ala (NM_001411005.1, NM_001411006.1); short protein forms T75A, T115A.
Identifiers: ClinVar variation 1966668 (VCV001966668.5), dbSNP rs1045336620, ClinGen allele CA247131501.